The following is an entry in ClinVar:

ClinVar aggregate classification (germline): Uncertain significance. Review status: criteria provided, multiple submitters, no conflicts (2 of 4 stars). 2 submissions from 2 submitters: Uncertain significance (2). Last evaluated 2022-06-23.

Submissions (2):

GeneDx
Classification: Uncertain significance. Last evaluated: 2022-06-23. Review status: criteria provided, single submitter. Criteria: GeneDx Variant Classification Process June 2021. Collection method: clinical testing. Allele origin: germline. Affected: yes.
Comment: Not observed at significant frequency in large population cohorts (gnomAD); In silico analysis supports that this variant does not alter splicing; Has not been previously published as pathogenic or benign to our knowledge

Women's Health and Genetics/Laboratory Corporation of America, LabCorp
Classification: Uncertain significance. Last evaluated: 2022-05-10. Review status: criteria provided, single submitter. Criteria: LabCorp Variant Classification Summary - May 2015. Collection method: clinical testing. Allele origin: germline.
Comment: Variant summary: CASK c.2155+4_2155+6delinsA alters a nucleotide located close to a canonical splice site and therefore could affect mRNA splicing, leading to a significantly altered protein sequence. 4/4 computational tools predict no significant impact on normal splicing. However, these predictions have yet to be confirmed by functional studies. The variant allele was found at a frequency of 1.6e-05 in 182524 control chromosomes (gnomAD). The available data on variant occurrences in the general population are insufficient to allow any conclusion about variant significance. To our knowledge, no occurrence of c.2155+4_2155+6delinsA in individuals affected with Syndromic X-Linked Intellectual Disability Najm Type and no experimental evidence demonstrating its impact on protein function have been reported. A ClinVar submitter (evaluation after 2014) cites the variant as uncertain significance. Based on the evidence outlined above, the variant was classified as uncertain significance.

NM_001367721.1(CASK):c.2155+4_2155+6delinsA

Gene: CASK (calcium/calmodulin dependent serine protein kinase; minus strand). Cytogenetic location: Xp11.4.
Variant type: Indel.
Coding change: c.2155+4_2155+6delinsA on transcript NM_001367721.1 (MANE Select); bases 4 to 6 of the intron after coding-DNA position 2155, GGG replaced by A.
Molecular consequence: intron variant.
Genome position (GRCh38, 1-based): chrX:41,542,685-41,542,687, CCC replaced by T on the plus strand (GGG replaced by A on the coding strand, the reverse complement: CASK is on the minus strand). VCF-style: chrX-41542685-CCC-T. GRCh37 (hg19) VCF-style: chrX-41401938-CCC-T.
Other names: c.2155+4_2155+6delGGGinsA (NM_003688.3); c.2068+4_2068+6delinsA (NM_001126055.3); c.2137+4_2137+6delinsA (NM_001410745.1); c.2086+4_2086+6delinsA (NM_001126054.3); c.2155+4_2155+6delinsA (NM_003688.4).
Identifiers: ClinVar variation 421380 (VCV000421380.4), dbSNP rs752382791, ClinGen allele CA16621399.